The following is an entry in ClinVar:

ClinVar aggregate classification (germline): Likely benign (0 of 4 stars; one submission).

Conditions:
DLC1-related disorder. Also called: DLC1-related condition.

gnomAD v4.1: 49 of 1,614,192 alleles (0.003%); highest among the groups gnomAD compares: African/African-American, 0.06%; no homozygotes.

Submission:

PreventionGenetics, part of Exact Sciences
Classification: Likely benign for DLC1-related condition. Last evaluated: 2024-05-13. Review status: no assertion criteria provided. Collection method: clinical testing. Allele origin: germline.
Comment: This variant is classified as likely benign based on ACMG/AMP sequence variant interpretation guidelines (Richards et al. 2015 PMID: 25741868, with internal and published modifications).

NM_182643.3(DLC1):c.3645A>T (p.Val1215=)

Gene: DLC1 (DLC1 Rho GTPase activating protein; minus strand). Cytogenetic location: 8p22.
Variant type: single nucleotide variant.
Coding change: c.3645A>T on transcript NM_182643.3 (MANE Select); coding-DNA position 3645, A replaced by T.
Protein change: p.Val1215=; no amino-acid change (valine 1215 retained).
Molecular consequence: synonymous variant.
Genome position (GRCh38, 1-based): chr8:13,092,707, T>A on the plus strand (A>T on the coding strand, the complement: DLC1 is on the minus strand). VCF-style: chr8-13092707-T-A. GRCh37 (hg19) VCF-style: chr8-12950216-T-A.
Other names: c.2112A>T, p.Val704= (NM_001164271.2, NM_001348082.2, NM_001348083.1 and 6 more transcripts); c.2436A>T, p.Val812= (NM_001316668.2, NM_001413129.1); c.3645A>T, p.Val1215= (NM_001348081.2, NM_001413124.1); c.2427A>T, p.Val809= (NM_001413130.1); c.2085A>T, p.Val695= (NM_001413131.1, NM_001413137.1); c.2571A>T, p.Val857= (NM_001413132.1); c.2334A>T, p.Val778= (NM_001413135.1, NM_001413136.1, NM_001413139.1 and 1 more transcripts); c.2469A>T, p.Val823= (NM_001413140.1).
Identifiers: ClinVar variation 3352652 (VCV003352652.1).
Genomic context (GRCh38, chr8:13,092,707, plus strand): 5'-ATGGAAGAGGGAAGGCGCTAAGCACACGGCCAGGTTGGTTGGGGTCATCTGGTTTTCTTT[T>A]ACGGCTGCTGTGACATCGCTCAGGAAATAAAGCAGGGTCTGCAGAACCTCCCGGTTCTCG-3'
Protein context (NP_872584.2, residues 1205-1225): LYFLSDVTAA[Val1215=]KENQMTPTNL